The following is an entry in ClinVar:

NM_000053.4(ATP7B):c.3587A>G (p.Asp1196Gly)

Gene: ATP7B (ATPase copper transporting beta; minus strand). Cytogenetic location: 13q14.3.
Variant type: single nucleotide variant.
Coding change: c.3587A>G on transcript NM_000053.4 (MANE Select); coding-DNA position 3587, A replaced by G.
Protein change: p.Asp1196Gly; replaces aspartic acid 1196 with glycine.
Molecular consequence: missense variant.
Genome position (GRCh38, 1-based): chr13:51,939,163, T>C on the plus strand (A>G on the coding strand, the complement: ATP7B is on the minus strand). VCF-style: chr13-51939163-T-C. GRCh37 (hg19) VCF-style: chr13-52513299-T-C.
Other names: c.2966A>G, p.Asp989Gly (NM_001005918.3); c.3254A>G, p.Asp1085Gly (NM_001243182.2); c.3353A>G, p.Asp1118Gly (NM_001330578.2, NM_001406527.1, NM_001406528.1); c.3335A>G, p.Asp1112Gly (NM_001330579.2, NM_001406531.1, NM_001406532.1); c.3587A>G, p.Asp1196Gly (NM_001406511.1, NM_001406512.1, NM_001406526.1); c.3581A>G, p.Asp1194Gly (NM_001406513.1); c.3554A>G, p.Asp1185Gly (NM_001406514.1); c.3533A>G, p.Asp1178Gly (NM_001406515.1, NM_001406516.1); and 20 more; short protein forms D1002G, D1032G, D1034G, D1047G, D1053G, D1070G, D1083G, D1085G.
Identifiers: ClinVar variation 4057280 (VCV004057280.2).

ClinVar aggregate classification (germline): Conflicting classifications of pathogenicity. Review status: criteria provided, conflicting classifications (1 of 4 stars). 2 submissions from 2 submitters: Likely pathogenic (1); Uncertain significance (1). Last evaluated 2026-03-17.

Conditions:
Wilson disease (WND). Also called: Wilson's disease. Identifiers: Orphanet 905, MedGen C0019202, MONDO:0010200, OMIM 277900. Disease mechanism: loss of function.

Submissions (2):

Myriad Genetics, Inc.
Classification: Likely pathogenic for Wilson disease. Last evaluated: 2026-03-17. Review status: criteria provided, single submitter. Criteria: Myriad Autosomal Dominant, Autosomal Recessive and X-Linked Classification Criteria (2023). Collection method: clinical testing. Allele origin: unknown.
Comment: NM_000053.3(ATP7B):c.3587A>G(D1196G) is a missense variant classified as likely pathogenic in the context of Wilson disease. D1196G has been observed in cases with relevant disease (PMID: 35222532, 35220961, 27022412). Relevant functional assessments of this variant are not available in the literature. D1196G has not been observed in referenced population frequency databases. In summary, NM_000053.3(ATP7B):c.3587A>G(D1196G) is a missense variant that has been observed more frequently in cases with the relevant disease than in healthy populations. Please note: this variant was assessed in the context of healthy population screening.

Diagnostics Services (NGS), CSIR - Centre For Cellular And Molecular Biology
Classification: Uncertain significance for Wilson disease. Last evaluated: 2025-05-29. Review status: criteria provided, single submitter. Criteria: ACMG Guidelines, 2015. Collection method: clinical testing. Allele origin: unknown. Affected: yes. Observed: 1 variant allele, 1 heterozygote.
Comment: The c.3587A>G variant is not present in 1000 Genomes, EVS, Indian Exome Database, gnomAD or our internal database. This variant has neither been published in literature in individuals affected with ATP7B-related conditions nor reported to the clinical databases like HGMD, ClinVar or OMIM, in any affected individuals. In-silico pathogenicity prediction programs like SIFT, Polyphen-2, MutationTaster2, CADD, Varsome, Franklin etc predicted this variant to be likely deleterious, however these predictions were not confirmed by published functional studies.

Literature cited by the submitters: PubMed 27022412 (cited by Myriad Genetics, Inc.); PubMed 35220961 (cited by Myriad Genetics, Inc.); PubMed 35222532 (cited by Myriad Genetics, Inc.).